The following is an entry in ClinVar:

NM_021012.5(KCNJ12):c.517G>A (p.Asp173Asn)

Gene: KCNJ12 (potassium inwardly rectifying channel subfamily J member 12; plus strand). Cytogenetic location: 17p11.2.
Variant type: single nucleotide variant.
Coding change: c.517G>A on transcript NM_021012.5 (MANE Select); coding-DNA position 517, G replaced by A.
Protein change: p.Asp173Asn; replaces aspartic acid 173 with asparagine.
Molecular consequence: missense variant.
Genome position (GRCh38, 1-based): chr17:21,415,859, G>A. VCF-style: chr17-21415859-G-A. GRCh37 (hg19) VCF-style: chr17-21319171-G-A.
Other names: short protein forms D173N.
Identifiers: ClinVar variation 3060279 (VCV003060279.2), dbSNP rs73313922, ClinGen allele CA8451161.

ClinVar aggregate classification (germline): Benign (0 of 4 stars; one submission).

Conditions:
KCNJ12-related disorder. Also called: KCNJ12-related condition.

Allele frequency attached by ClinVar (database versions not stated): ExAC 0.47313.

Submission:

PreventionGenetics, part of Exact Sciences
Classification: Benign for KCNJ12-related condition. Last evaluated: 2019-10-17. Review status: no assertion criteria provided. Collection method: clinical testing. Allele origin: germline.
Comment: This variant is classified as benign based on ACMG/AMP sequence variant interpretation guidelines (Richards et al. 2015 PMID: 25741868, with internal and published modifications).